The following is an entry in ClinVar:

NM_001040108.2(MLH3):c.1397C>T (p.Ser466Leu)

Gene: MLH3 (mutL homolog 3; minus strand). Cytogenetic location: 14q24.3.
Variant type: single nucleotide variant.
Coding change: c.1397C>T on transcript NM_001040108.2 (MANE Select); coding-DNA position 1397, C replaced by T.
Protein change: p.Ser466Leu; replaces serine 466 with leucine.
Molecular consequence: missense variant.
Genome position (GRCh38, 1-based): chr14:75,048,259, G>A on the plus strand (C>T on the coding strand, the complement: MLH3 is on the minus strand). VCF-style: chr14-75048259-G-A. GRCh37 (hg19) VCF-style: chr14-75514962-G-A.
Other names: c.1397C>T, p.Ser466Leu (NM_014381.3); short protein forms S466L.
Identifiers: ClinVar variation 3396612 (VCV003396612.1).

ClinVar aggregate classification (germline): Uncertain significance (1 of 4 stars; one submission).

Submission:

Ambry Genetics
Classification: Uncertain significance. Last evaluated: 2024-08-24. Review status: criteria provided, single submitter. Criteria: Ambry Variant Classification Scheme 2023. Collection method: clinical testing. Allele origin: germline.
Comment: The p.S466L variant (also known as c.1397C>T), located in coding exon 1 of the MLH3 gene, results from a C to T substitution at nucleotide position 1397. The serine at codon 466 is replaced by leucine, an amino acid with dissimilar properties. This amino acid position is conserved. In addition, this alteration is predicted to be tolerated by in silico analysis. Based on the available evidence, the clinical significance of this variant remains unclear.